The following is an entry in ClinVar:

NM_005585.5(SMAD6):c.1305_1306del (p.Ile436fs)

Gene: SMAD6 (SMAD family member 6; plus strand). Cytogenetic location: 15q22.31.
Variant type: Deletion.
Coding change: c.1305_1306del on transcript NM_005585.5 (MANE Select); coding-DNA positions 1305 to 1306, 2 bases deleted (CA; older notation c.1305_1306delCA).
Protein change: p.Ile436fs; shifts the reading frame from isoleucine 436.
Molecular consequence: frameshift variant. On other transcripts: non-coding transcript variant (1).
Genome position (GRCh38, 1-based): chr15:66,781,349-66,781,350, CA deleted. VCF-style (leftmost placement, unchanged base first): chr15-66781348-CCA-C. GRCh37 (hg19) VCF-style: chr15-67073686-CCA-C.
Other names: short protein forms I436fs.
Identifiers: ClinVar variation 1995610 (VCV001995610.4), dbSNP rs2541898883, ClinGen allele CA2580089892.

ClinVar aggregate classification (germline): Uncertain significance (1 of 4 stars; one submission).

Conditions:
Aortic valve disease 2 (AOVD2). Identifiers: MedGen C3542024, MONDO:0013902, OMIM 614823.

Submission:

Labcorp Genetics (formerly Invitae), Labcorp
Classification: Uncertain significance for Aortic valve disease 2. Last evaluated: 2022-05-17. Review status: criteria provided, single submitter. Criteria: Invitae Variant Classification Sherloc (09022015). Collection method: clinical testing. Allele origin: germline.
Comment: This sequence change results in a frameshift in the SMAD6 gene (p.Ile436Glnfs*128). While this is not anticipated to result in nonsense mediated decay, it is expected to disrupt the last 61 amino acid(s) of the SMAD6 protein and extend the protein by 66 additional amino acid residues. This variant is not present in population databases (gnomAD no frequency). This variant has not been reported in the literature in individuals affected with SMAD6-related conditions. Experimental studies and prediction algorithms are not available or were not evaluated, and the functional significance of this variant is currently unknown. In summary, the available evidence is currently insufficient to determine the role of this variant in disease. Therefore, it has been classified as a Variant of Uncertain Significance.